The following is an entry in ClinVar:

NM_001267550.2(TTN):c.43122del (p.Ile14374_Leu14375insTer)

Gene: TTN (titin; minus strand). Cytogenetic location: 2q31.2.
Variant type: Deletion.
Coding change: c.43122del on transcript NM_001267550.2 (MANE Select); coding-DNA position 43122, one base deleted (T; older notation c.43122delT).
Protein change: p.Ile14374_Leu14375insTer.
Molecular consequence: frameshift variant.
Genome position (GRCh38, 1-based): chr2:178,633,009, A deleted on the plus strand (T on the coding strand, the reverse complement: TTN is on the minus strand); the first of 2 consecutive A bases (chr2:178,633,009-178,633,010); deleting either gives the same sequence. VCF-style (leftmost placement, unchanged base first): chr2-178633008-GA-G. GRCh37 (hg19) VCF-style: chr2-179497735-GA-G.
Other names: c.35418del, p.Ile11806_Leu11807insTer (NM_133378.4); c.16302del, p.Ile5434_Leu5435insTer (NM_133432.3); c.16503del, p.Ile5501_Leu5502insTer (NM_133437.4); c.15927del, p.Ile5309_Leu5310insTer (NM_003319.4); c.38199del, p.Ile12733_Leu12734insTer (NM_001256850.1); c.43122delT (NM_001267550.2); c.15927delT (NM_003319.4).
Identifiers: ClinVar variation 572248 (VCV000572248.11), dbSNP rs1203006457, ClinGen allele CA761290931.

ClinVar aggregate classification (germline): Likely pathogenic. Review status: criteria provided, multiple submitters, no conflicts (2 of 4 stars). 2 submissions from 2 submitters: Likely pathogenic (2). Last evaluated 2024-05-06.

Conditions:
Dilated cardiomyopathy 1G (CMD1G). Identifiers: Orphanet 154, MedGen C1858763, MONDO:0011400, OMIM 604145.
Autosomal recessive limb-girdle muscular dystrophy type 2J (LGMDR10). Also called: Limb-girdle muscular dystrophy, type 2J; MUSCULAR DYSTROPHY, LIMB-GIRDLE, AUTOSOMAL RECESSIVE 10. Identifiers: Orphanet 140922, MedGen C1837342, MONDO:0012127, OMIM 608807.
Cardiovascular phenotype. Identifiers: MedGen CN230736.

Submissions (2):

Labcorp Genetics (formerly Invitae), Labcorp
Classification: Likely pathogenic for Dilated cardiomyopathy 1G; Autosomal recessive limb-girdle muscular dystrophy type 2J. Last evaluated: 2024-05-06. Review status: criteria provided, single submitter. Criteria: Invitae Variant Classification Sherloc (09022015). Collection method: clinical testing. Allele origin: germline.
Comment: This sequence change creates a premature translational stop signal (p.Leu14375*) in the TTN gene. While this is not anticipated to result in nonsense mediated decay, it is expected to create a truncated TTN protein. This variant is not present in population databases (gnomAD no frequency). This variant has not been reported in the literature in individuals affected with TTN-related conditions. ClinVar contains an entry for this variant (Variation ID: 572248). This variant is located in the I band of TTN (PMID: 25589632). Truncating variants in this region have been reported in individuals affected with autosomal recessive centronuclear myopathy (PMID: 23975875, Invitae internal data). Truncating variants in this region have also been identified in individuals affected with autosomal dominant dilated cardiomyopathy and/or cardio-related conditions (PMID: 27869827, 32964742, Invitae internal data). In summary, the currently available evidence indicates that the variant is pathogenic, but additional data are needed to prove that conclusively. Therefore, this variant has been classified as Likely Pathogenic.

Ambry Genetics
Classification: Likely pathogenic for Cardiovascular phenotype. Last evaluated: 2021-10-25. Review status: criteria provided, single submitter. Criteria: Ambry Variant Classification Scheme 2023. Collection method: clinical testing. Allele origin: germline.
Comment: The c.15927delT variant, located in coding exon 61 of the TTN gene, results from a deletion of one nucleotide at nucleotide position 15927, causing a translational frameshift with a predicted alternate stop codon (p.L5310*). This exon is located in the I-band region of the N2-B isoform of the titin protein and is constitutively expressed in TTN transcripts (percent spliced in or PSI 100%). This variant is considered to be rare based on population cohorts in the Genome Aggregation Database (gnomAD). This alteration is expected to result in loss of function by premature protein truncation or nonsense-mediated mRNA decay. While truncating variants in TTN are present in 1-3% of the general population, truncating variants in the A-band are the most common cause of dilated cardiomyopathy (DCM) (Herman DS et al. N. Engl. J. Med., 2012 Feb;366:619-28; Roberts AM et al. Sci Transl Med, 2015 Jan;7:270ra6). TTN truncating variants encoded in constitutive exons (PSI >90%) have been found to be significantly associated with DCM regardless of their position in titin (Schafer S et al. Nat. Genet., 2017 01;49:46-53). As such, this alteration is classified as likely pathogenic.

Literature cited by the submitters: PubMed 25589632 (cited by Labcorp Genetics (formerly Invitae), Labcorp); PubMed 23975875 (cited by Labcorp Genetics (formerly Invitae), Labcorp); PubMed 27869827 (cited by Labcorp Genetics (formerly Invitae), Labcorp); PubMed 32964742 (cited by Labcorp Genetics (formerly Invitae), Labcorp).